The following is an entry in ClinVar:

ClinVar aggregate classification (germline): Uncertain significance (1 of 4 stars; one submission).

Conditions:
Familial focal epilepsy with variable foci (FPEVF). Identifiers: Orphanet 98820, MedGen C1858477, MONDO:0020310.

Allele frequency attached by ClinVar (database versions not stated): gnomAD exomes 0.00001.
gnomAD v4.1: 4 of 1,613,902 alleles (0.00025%); highest among the groups gnomAD compares: Non-Finnish European, 0.00034%; no homozygotes.

Submission:

Labcorp Genetics (formerly Invitae), Labcorp
Classification: Uncertain significance for Familial focal epilepsy with variable foci. Last evaluated: 2023-03-31. Review status: criteria provided, single submitter. Criteria: Invitae Variant Classification Sherloc (09022015). Collection method: clinical testing. Allele origin: germline.
Comment: In summary, the available evidence is currently insufficient to determine the role of this variant in disease. Therefore, it has been classified as a Variant of Uncertain Significance. Experimental studies and prediction algorithms are not available or were not evaluated, and the functional significance of this variant is currently unknown. This variant has not been reported in the literature in individuals affected with DEPDC5-related conditions. This variant is not present in population databases (gnomAD no frequency). This sequence change replaces serine, which is neutral and polar, with asparagine, which is neutral and polar, at codon 1532 of the DEPDC5 protein (p.Ser1532Asn).

NM_001242896.3(DEPDC5):c.4595G>A (p.Ser1532Asn)

Gene: DEPDC5 (DEP domain containing 5, GATOR1 subcomplex subunit; plus strand). Cytogenetic location: 22q12.3.
Variant type: single nucleotide variant.
Coding change: c.4595G>A on transcript NM_001242896.3 (MANE Select); coding-DNA position 4595, G replaced by A.
Protein change: p.Ser1532Asn; replaces serine 1532 with asparagine.
Molecular consequence: missense variant. On other transcripts: non-coding transcript variant (5).
Genome position (GRCh38, 1-based): chr22:31,906,280, G>A. VCF-style: chr22-31906280-G-A. GRCh37 (hg19) VCF-style: chr22-32302266-G-A.
Other names: c.4568G>A, p.Ser1523Asn (NM_001136029.4); c.4295G>A, p.Ser1432Asn (NM_001242897.2); c.4529G>A, p.Ser1510Asn (NM_001363852.2, NM_001364320.2); c.4361G>A, p.Ser1454Asn (NM_001363854.2, NM_001364319.2); c.4595G>A, p.Ser1532Asn (NM_001364318.2); c.4511G>A, p.Ser1504Asn (NM_001369901.1, NM_001369902.1); c.4502G>A, p.Ser1501Asn (NM_001369903.1, NM_014662.6); short protein forms S1454N, S1510N, S1532N, S1432N, S1501N, S1504N, S1523N.
Identifiers: ClinVar variation 2915177 (VCV002915177.3), dbSNP rs2523596934, ClinGen allele CA411292491.